The following is an entry in ClinVar:

NM_001377.3(DYNC2H1):c.6023T>C (p.Met2008Thr)

Gene: DYNC2H1 (dynein cytoplasmic 2 heavy chain 1; plus strand). Cytogenetic location: 11q22.3.
Variant type: single nucleotide variant.
Coding change: c.6023T>C on transcript NM_001377.3 (MANE Select); coding-DNA position 6023, T replaced by C.
Protein change: p.Met2008Thr; replaces methionine 2008 with threonine.
Molecular consequence: missense variant.
Genome position (GRCh38, 1-based): chr11:103,177,704, T>C. VCF-style: chr11-103177704-T-C. GRCh37 (hg19) VCF-style: chr11-103048433-T-C.
Other names: c.6023T>C, p.Met2008Thr (NM_001080463.2); short protein forms M2008T.
Identifiers: ClinVar variation 1699173 (VCV001699173.3), dbSNP rs2134994767, ClinGen allele CA382246296.

ClinVar aggregate classification (germline): Likely pathogenic (1 of 4 stars; one submission).

Conditions:
Asphyxiating thoracic dystrophy 3. Also called: SHORT-RIB THORACIC DYSPLASIA 3 WITH OR WITHOUT POLYDACTYLY; POLYDACTYLY WITH NEONATAL CHONDRODYSTROPHY, TYPE I; SHORT-RIB THORACIC DYSPLASIA 3/6 WITH POLYDACTYLY, DIGENIC; Short rib polydactyly syndrome 2B; Saldino-Noonan Syndrome. Identifiers: Orphanet 474, Orphanet 93269, Orphanet 93270, Orphanet 93271, MedGen C0036069, MONDO:0013127, OMIM 613091.

Submission:

Victorian Clinical Genetics Services, Murdoch Childrens Research Institute
Classification: Likely pathogenic for Asphyxiating thoracic dystrophy 3. Last evaluated: 2022-02-02. Review status: criteria provided, single submitter. Criteria: ACMG Guidelines, 2015. Collection method: clinical testing. Allele origin: germline. Inheritance: Autosomal recessive inheritance. Affected: yes.
Comment: Based on the classification scheme VCGS_Germline_v1.3.4, this variant is classified as Likely Pathogenic. Following criteria are met: 0102 - Loss of function is a known mechanism of disease in this gene and is associated with short-rib thoracic dysplasia 3 with or without polydactyly (MIM#613091). (I) 0106 - This gene is associated with autosomal recessive disease. (I) 0200 - Variant is predicted to result in a missense amino acid change from methionine to threonine. (I) 0251 - This variant is heterozygous. (I) 0301 - Variant is absent from gnomAD (both v2 and v3). (SP) 0502 - Missense variant with conflicting in silico predictions and uninformative conservation. (I) 0600 - Variant is located in the annotated AAA2 region (UniProt). (I) 0705 - No comparable missense variants have previous evidence for pathogenicity. (I) 0807 - This variant has no previous evidence of pathogenicity. (I) 0905 - No published segregation evidence has been identified for this variant. (I) 1007 - No published functional evidence has been identified for this variant. (I) 1102 - Strong phenotype match for this individual. (SP) Legend: (SP) - Supporting pathogenic, (I) - Information, (SB) - Supporting benign